The following is an entry in ClinVar:

ClinVar aggregate classification (germline): Uncertain significance (1 of 4 stars; one submission).

Conditions:
Hereditary cancer-predisposing syndrome. Also called: Neoplastic Syndromes, Hereditary; Tumor predisposition; Hereditary Cancer Syndrome; Hereditary neoplastic syndrome. Identifiers: Orphanet 140162, MedGen C0027672, MeSH D009386, MONDO:0015356.

gnomAD v4.1: 1 of 1,613,796 alleles (0.000062%); highest among the groups gnomAD compares: Non-Finnish European, 0.000085%; no homozygotes.

Submission:

Ambry Genetics
Classification: Uncertain significance for Hereditary cancer-predisposing syndrome. Last evaluated: 2018-06-29. Review status: criteria provided, single submitter. Criteria: Ambry Variant Classification Scheme 2023. Collection method: clinical testing. Allele origin: germline.
Comment: The p.F803L variant (also known as c.2409C>A), located in coding exon 15 of the ATM gene, results from a C to A substitution at nucleotide position 2409. The phenylalanine at codon 803 is replaced by leucine, an amino acid with highly similar properties. This amino acid position is highly conserved in available vertebrate species. In addition, this alteration is predicted to be tolerated by in silico analysis. Since supporting evidence is limited at this time, the clinical significance of this alteration remains unclear.

NM_000051.4(ATM):c.2409C>A (p.Phe803Leu)

Gene: ATM (ATM serine/threonine kinase; plus strand). Cytogenetic location: 11q22.3.
Variant type: single nucleotide variant.
Coding change: c.2409C>A on transcript NM_000051.4 (MANE Select); coding-DNA position 2409, C replaced by A.
Protein change: p.Phe803Leu; replaces phenylalanine 803 with leucine.
Molecular consequence: missense variant.
Genome position (GRCh38, 1-based): chr11:108,259,018, C>A. VCF-style: chr11-108259018-C-A. GRCh37 (hg19) VCF-style: chr11-108129745-C-A.
Other names: c.2409C>A, p.Phe803Leu (NM_001351834.2); short protein forms F803L.
Identifiers: ClinVar variation 821228 (VCV000821228.4), dbSNP rs1416444032, ClinGen allele CA382541183.